The following is an entry in ClinVar:

ClinVar aggregate classification (germline): Uncertain significance (1 of 4 stars; one submission).

Submission:

Labcorp Genetics (formerly Invitae), Labcorp
Classification: Uncertain significance. Last evaluated: 2021-07-17. Review status: criteria provided, single submitter. Criteria: Invitae Variant Classification Sherloc (09022015). Collection method: clinical testing. Allele origin: germline.
Comment: This variant is not present in population databases (ExAC no frequency). This sequence change replaces glutamic acid with glycine at codon 2144 of the FN1 protein (p.Glu2144Gly). The glutamic acid residue is moderately conserved and there is a moderate physicochemical difference between glutamic acid and glycine. This variant has not been reported in the literature in individuals affected with FN1-related conditions. In summary, the available evidence is currently insufficient to determine the role of this variant in disease. Therefore, it has been classified as a Variant of Uncertain Significance. Algorithms developed to predict the effect of missense changes on protein structure and function are either unavailable or do not agree on the potential impact of this missense change (SIFT: "Not Available"; PolyPhen-2: "Possibly Damaging"; Align-GVGD: "Not Available").

NM_212482.4(FN1):c.6431A>G (p.Glu2144Gly)

Gene: FN1 (fibronectin 1; minus strand). Cytogenetic location: 2q35.
Variant type: single nucleotide variant.
Coding change: c.6431A>G on transcript NM_212482.4 (MANE Select); coding-DNA position 6431, A replaced by G.
Protein change: p.Glu2144Gly; replaces glutamic acid 2144 with glycine.
Molecular consequence: missense variant. On other transcripts: intron variant (3).
Genome position (GRCh38, 1-based): chr2:215,372,192, T>C on the plus strand (A>G on the coding strand, the complement: FN1 is on the minus strand). VCF-style: chr2-215372192-T-C. GRCh37 (hg19) VCF-style: chr2-216236915-T-C.
Other names: c.6431A>G, p.Glu2144Gly (NM_001306129.2); c.5888A>G, p.Glu1963Gly (NM_001306131.2, NM_212476.3); c.5813A>G, p.Glu1938Gly (NM_001306132.2, NM_001365523.2); c.6161A>G, p.Glu2054Gly (NM_001365517.2, NM_001365521.2); c.6158A>G, p.Glu2053Gly (NM_001365518.2, NM_002026.4); c.6086A>G, p.Glu2029Gly (NM_001365519.2, NM_001365522.2); c.6083A>G, p.Glu2028Gly (NM_001365520.2, NM_212478.3); c.5705-177A>G (NM_212474.3); and 2 more; short protein forms E1938G, E1963G, E2029G, E2053G, E2028G, E2144G, E2054G.
Identifiers: ClinVar variation 1481137 (VCV001481137.8), dbSNP rs2106249069, ClinGen allele CA350467008.